The following is an entry in ClinVar:

ClinVar aggregate classification (germline): Likely benign. Review status: criteria provided, multiple submitters, no conflicts (2 of 4 stars). 3 submissions from 3 submitters: Likely benign (3). Last evaluated 2023-07-10.

Conditions:
Hereditary cancer-predisposing syndrome. Also called: Hereditary Cancer Syndrome; Neoplastic Syndromes, Hereditary; Tumor predisposition; Hereditary neoplastic syndrome. Identifiers: Orphanet 140162, MedGen C0027672, MeSH D009386, MONDO:0015356.
Familial adenomatous polyposis 1 (FAP1). Also called: FAMILIAL ADENOMATOUS POLYPOSIS 1, ATTENUATED; POLYPOSIS, ADENOMATOUS INTESTINAL. Identifiers: MedGen C2713442, MONDO:0021056, OMIM 175100. Disease mechanism: loss of function.

Allele frequency attached by ClinVar (database versions not stated): ExAC 0.00001; gnomAD exomes 0.00001.

Submissions (3):

Labcorp Genetics (formerly Invitae), Labcorp
Classification: Likely benign for Familial adenomatous polyposis 1. Last evaluated: 2023-07-10. Review status: criteria provided, single submitter. Criteria: Invitae Variant Classification Sherloc (09022015). Collection method: clinical testing. Allele origin: germline.

Color Diagnostics, LLC DBA Color Health
Classification: Likely benign for Hereditary cancer-predisposing syndrome. Last evaluated: 2019-04-01. Review status: criteria provided, single submitter. Criteria: ACMG Guidelines, 2015. Collection method: clinical testing. Allele origin: germline.

GeneDx
Classification: Likely benign. Last evaluated: 2017-10-05. Review status: criteria provided, single submitter. Criteria: GeneDx Variant Classification (06012015). Collection method: clinical testing. Allele origin: germline. Affected: yes.
Comment: This variant is considered likely benign or benign based on one or more of the following criteria: it is a conservative change, it occurs at a poorly conserved position in the protein, it is predicted to be benign by multiple in silico algorithms, and/or has population frequency not consistent with disease.

NM_000038.6(APC):c.1626+18A>G

Gene: APC (APC regulator of Wnt signaling pathway; plus strand). Cytogenetic location: 5q22.2.
Variant type: single nucleotide variant.
Coding change: c.1626+18A>G on transcript NM_000038.6 (MANE Select); 18 bases into the intron after coding-DNA position 1626, A replaced by G.
Molecular consequence: intron variant.
Genome position (GRCh38, 1-based): chr5:112,828,024, A>G. VCF-style: chr5-112828024-A-G. GRCh37 (hg19) VCF-style: chr5-112163721-A-G.
Other names: c.1626+18A>G (NM_001354895.2, NM_001127510.3); c.1656+18A>G (NM_001354897.2); c.1353+18A>G (NM_001354902.2); c.1572+18A>G (NM_001127511.3); c.1551+18A>G (NM_001354898.2); c.1248+18A>G (NM_001354904.2); c.777+18A>G (NM_001354906.2); c.1680+18A>G (NM_001354896.2); and 5 more.
Identifiers: ClinVar variation 512551 (VCV000512551.11), dbSNP rs747123005, ClinGen allele CA028647.
Genomic context (GRCh38, chr5:112,828,024, plus strand): 5'-ACTTGTGGCCCAACTAAAATCTGAAAGTGAAGACTTACAGCAGGTACTATTTAGAATTTC[A>G]CCTGTTTTTCTTTTTTCTCTTTTTCTTTGAGGCAGGGTCTCACTCTGTCACCCAGGCTTA-3'